The following is an entry in ClinVar:

NM_016222.4(DDX41):c.1465A>G (p.Thr489Ala)

Gene: DDX41 (DEAD-box helicase 41; minus strand). Cytogenetic location: 5q35.3.
Variant type: single nucleotide variant.
Coding change: c.1465A>G on transcript NM_016222.4 (MANE Select); coding-DNA position 1465, A replaced by G.
Protein change: p.Thr489Ala; replaces threonine 489 with alanine.
Molecular consequence: missense variant.
Genome position (GRCh38, 1-based): chr5:177,512,580, T>C on the plus strand (A>G on the coding strand, the complement: DDX41 is on the minus strand). VCF-style: chr5-177512580-T-C. GRCh37 (hg19) VCF-style: chr5-176939581-T-C.
Other names: c.1087A>G, p.Thr363Ala (NM_001321732.2, NM_001321830.2); c.1465A>G (NM_016222.2); short protein forms T363A, T489A.
Identifiers: ClinVar variation 2828163 (VCV002828163.4), dbSNP rs2532075721, ClinGen allele CA362372826.

ClinVar aggregate classification (germline): Uncertain significance. Review status: criteria provided, multiple submitters, no conflicts (2 of 4 stars). 2 submissions from 2 submitters: Uncertain significance (2). Last evaluated 2025-12-01.

Submissions (2):

Labcorp Genetics (formerly Invitae), Labcorp
Classification: Uncertain significance. Last evaluated: 2025-12-01. Review status: criteria provided, single submitter. Criteria: Invitae Variant Classification Sherloc (09022015). Collection method: clinical testing. Allele origin: germline.
Comment: This sequence change replaces threonine, which is neutral and polar, with alanine, which is neutral and non-polar, at codon 489 of the DDX41 protein (p.Thr489Ala). This variant is not present in population databases (gnomAD no frequency). This variant has not been reported in the literature in individuals affected with DDX41-related conditions. ClinVar contains an entry for this variant (Variation ID: 2828163). An algorithm developed to predict the effect of missense changes on protein structure and function (PolyPhen-2) suggests that this variant is likely to be disruptive. In summary, the available evidence is currently insufficient to determine the role of this variant in disease. Therefore, it has been classified as a Variant of Uncertain Significance.

GeneDx
Classification: Uncertain significance. Last evaluated: 2024-04-02. Review status: criteria provided, single submitter. Criteria: GeneDx Variant Classification Process June 2021. Collection method: clinical testing. Allele origin: germline. Affected: yes.
Comment: Not observed at significant frequency in large population cohorts (gnomAD); In silico analysis supports that this missense variant has a deleterious effect on protein structure/function; Has not been previously published as pathogenic or benign to our knowledge; This variant is associated with the following publications: (PMID: 27721487)